The following is an entry in ClinVar:

ClinVar aggregate classification (germline): Pathogenic. Review status: criteria provided, multiple submitters, no conflicts (2 of 4 stars). 2 submissions from 2 submitters: Pathogenic (2). Last evaluated 2023-06-06.

Conditions:
PKD1-related disorder. Also called: PKD1-related condition.

Submissions (2):

PreventionGenetics, part of Exact Sciences
Classification: Pathogenic for PKD1-related condition. Last evaluated: 2023-06-06. Review status: criteria provided, single submitter. Criteria: ACMG Guidelines, 2015. Collection method: clinical testing. Allele origin: germline.
Comment: The PKD1 c.9397+1G>C variant is predicted to disrupt the GT donor site and interfere with normal splicing. This variant was reported in an individual with autosomal dominant polycystic kidney disease (ADPKD) (Neumann et al. 2013. PubMed ID: 23300259). This variant has not been reported in a large population database, indicating this variant is rare. Variants that disrupt the consensus splice donor site in PKD1 are expected to be pathogenic. This variant is interpreted as pathogenic.

Blueprint Genetics
Classification: Pathogenic for PKD1-related disorders. Last evaluated: 2019-08-30. Review status: criteria provided, single submitter. Criteria: ACMG Guidelines, 2015. Collection method: clinical testing. Allele origin: germline. Affected: yes. Observed: 1 variant allele.

NM_001009944.3(PKD1):c.9397+1G>C

Gene: PKD1 (polycystin 1, transient receptor potential channel interacting; minus strand). Cytogenetic location: 16p13.3.
Variant type: single nucleotide variant.
Coding change: c.9397+1G>C on transcript NM_001009944.3 (MANE Select); the canonical splice donor site of the intron after coding-DNA position 9397, G replaced by C.
Molecular consequence: splice donor variant.
Genome position (GRCh38, 1-based): chr16:2,102,060, C>G on the plus strand (G>C on the coding strand, the complement: PKD1 is on the minus strand). VCF-style: chr16-2102060-C-G. GRCh37 (hg19) VCF-style: chr16-2152061-C-G.
Other names: c.9397+1G>C (NM_000296.4).
Identifiers: ClinVar variation 2632171 (VCV002632171.2), dbSNP rs2544729773, ClinGen allele CA394357601.